The following is an entry in ClinVar:

ClinVar aggregate classification (germline): Likely benign (0 of 4 stars; one submission).

Conditions:
TUBA4A-related disorder. Also called: TUBA4A-related condition.

Allele frequency attached by ClinVar (database versions not stated): ExAC 0.00007; gnomAD 0.00015; TOPMed 0.00017; ESP Exome Variant Server 0.00031; gnomAD exomes 0.00002.

Submission:

PreventionGenetics, part of Exact Sciences
Classification: Likely benign for TUBA4A-related condition. Last evaluated: 2023-10-03. Review status: no assertion criteria provided. Collection method: clinical testing. Allele origin: germline.
Comment: This variant is classified as likely benign based on ACMG/AMP sequence variant interpretation guidelines (Richards et al. 2015 PMID: 25741868, with internal and published modifications).

NM_006000.3(TUBA4A):c.987C>T (p.Asn329=)

Gene: TUBA4A (tubulin alpha 4a; minus strand). Cytogenetic location: 2q35.
Variant type: single nucleotide variant.
Coding change: c.987C>T on transcript NM_006000.3 (MANE Select); coding-DNA position 987, C replaced by T.
Protein change: p.Asn329=; no amino-acid change (asparagine 329 retained).
Molecular consequence: synonymous variant.
Genome position (GRCh38, 1-based): chr2:219,250,712, G>A on the plus strand (C>T on the coding strand, the complement: TUBA4A is on the minus strand). VCF-style: chr2-219250712-G-A. GRCh37 (hg19) VCF-style: chr2-220115434-G-A.
Other names: c.942C>T, p.Asn314= (NM_001278552.2).
Identifiers: ClinVar variation 3054354 (VCV003054354.2), dbSNP rs372891488, ClinGen allele CA2122399.